The following is an entry in ClinVar:

ClinVar aggregate classification (germline): Benign/Likely benign. Review status: criteria provided, multiple submitters, no conflicts (2 of 4 stars). 2 submissions from 2 submitters: Benign (1); Likely benign (1). Last evaluated 2024-05-16.

Conditions:
Familial cancer of breast. Also called: Hereditary breast cancer; BREAST CANCER, FAMILIAL; hereditary breast carcinoma. Identifiers: Orphanet 227535, MedGen C0346153, MONDO:0016419, OMIM 114480. Disease mechanism: loss of function.
Ataxia-telangiectasia syndrome (AT). Also called: LOUIS-BAR SYNDROME; Ataxia telangiectasia (A-T); Cerebello-oculocutaneous telangiectasia; Immunodeficiency with ataxia telangiectasia; Ataxia-telangiectasia; Ataxia-telangiectasia, complementation group D. Identifiers: Orphanet 100, MedGen C0004135, MONDO:0008840, OMIM 208900.

Submissions (2):

Myriad Genetics, Inc.
Classification: Benign for Familial cancer of breast. Last evaluated: 2024-05-16. Review status: criteria provided, single submitter. Criteria: Myriad Autosomal Dominant, Autosomal Recessive and X-Linked Classification Criteria (2023). Collection method: clinical testing. Allele origin: unknown.
Comment: This variant is considered benign. This variant is a silent/synonymous amino acid change and it is not expected to impact splicing.

Labcorp Genetics (formerly Invitae), Labcorp
Classification: Likely benign for Ataxia-telangiectasia syndrome. Last evaluated: 2024-03-15. Review status: criteria provided, single submitter. Criteria: Invitae Variant Classification Sherloc (09022015). Collection method: clinical testing. Allele origin: germline.

NM_000051.4(ATM):c.4128T>G (p.Pro1376=)

Gene: ATM (ATM serine/threonine kinase; plus strand). Cytogenetic location: 11q22.3.
Variant type: single nucleotide variant.
Coding change: c.4128T>G on transcript NM_000051.4 (MANE Select); coding-DNA position 4128, T replaced by G.
Protein change: p.Pro1376=; no amino-acid change (proline 1376 retained).
Molecular consequence: synonymous variant.
Genome position (GRCh38, 1-based): chr11:108,288,995, T>G. VCF-style: chr11-108288995-T-G. GRCh37 (hg19) VCF-style: chr11-108159722-T-G.
Other names: c.4128T>G, p.Pro1376= (NM_001351834.2).
Identifiers: ClinVar variation 1142525 (VCV001142525.10), dbSNP rs2135750893, ClinGen allele CA476673682.